The following is an entry in ClinVar:

NM_000443.4(ABCB4):c.286+335A>G

Gene: ABCB4 (ATP binding cassette subfamily B member 4; minus strand). Cytogenetic location: 7q21.12.
Variant type: single nucleotide variant.
Coding change: c.286+335A>G on transcript NM_000443.4 (MANE Select); 335 bases into the intron after coding-DNA position 286, A replaced by G.
Molecular consequence: intron variant.
Genome position (GRCh38, 1-based): chr7:87,462,423, T>C on the plus strand (A>G on the coding strand, the complement: ABCB4 is on the minus strand). VCF-style: chr7-87462423-T-C. GRCh37 (hg19) VCF-style: chr7-87091739-T-C.
Other names: c.286+335A>G (NM_018850.3, NM_018849.3).
Identifiers: ClinVar variation 4846355 (VCV004846355.1).

ClinVar aggregate classification (germline): Pathogenic (1 of 4 stars; one submission).

Conditions:
Familial intrahepatic cholestasis. Identifiers: Orphanet 284385, MedGen CN296401, MONDO:0017290.

Submission:

Genomenon, Inc
Classification: Pathogenic for Familial intrahepatic cholestasis. Last evaluated: 2026-04-14. Review status: criteria provided, single submitter. Criteria: Genomenon Sequence Variant Interpretation Standards - Updated. Collection method: curation. Allele origin: germline. Affected: yes.
Comment: ABCB4 c.286+335A>G is a deep intronic variant located in intron 4. This variant has been observed in at least one proband with an ABCB4-related disorder (PMID:39132680). The variant was found to segregate with disease in at least one affected family (PMID:39132680). At least one splicing study demonstrated this variant results in aberrant splicing (PMID:32552793). It is absent or not present at a significant frequency in gnomAD. In conclusion, we classify ABCB4 c.286+335A>G as a pathogenic variant.

Literature cited by the submitters: PubMed 39132680; PubMed 32552793.